The following is an entry in ClinVar:

ClinVar aggregate classification (germline): Uncertain significance (1 of 4 stars; one submission).

Submission:

Labcorp Genetics (formerly Invitae), Labcorp
Classification: Uncertain significance. Last evaluated: 2024-04-05. Review status: criteria provided, single submitter. Criteria: Invitae Variant Classification Sherloc (09022015). Collection method: clinical testing. Allele origin: germline.
Comment: This sequence change replaces glutamic acid, which is acidic and polar, with aspartic acid, which is acidic and polar, at codon 685 of the TAOK2 protein (p.Glu685Asp). This variant is present in population databases (rs201394687, gnomAD 0.1%), and has an allele count higher than expected for a pathogenic variant. This variant has not been reported in the literature in individuals affected with TAOK2-related conditions. An algorithm developed to predict the effect of missense changes on protein structure and function (PolyPhen-2) suggests that this variant is likely to be disruptive. In summary, the available evidence is currently insufficient to determine the role of this variant in disease. Therefore, it has been classified as a Variant of Uncertain Significance.

NM_016151.4(TAOK2):c.2055G>C (p.Glu685Asp)

Gene: TAOK2 (TAO kinase 2; plus strand). Cytogenetic location: 16p11.2.
Variant type: single nucleotide variant.
Coding change: c.2055G>C on transcript NM_016151.4 (MANE Select); coding-DNA position 2055, G replaced by C.
Protein change: p.Glu685Asp; replaces glutamic acid 685 with aspartic acid.
Molecular consequence: missense variant.
Genome position (GRCh38, 1-based): chr16:29,986,327, G>C. VCF-style: chr16-29986327-G-C. GRCh37 (hg19) VCF-style: chr16-29997648-G-C.
Other names: c.2055G>C, p.Glu685Asp (NM_001252043.2, NM_004783.4); short protein forms E685D.
Identifiers: ClinVar variation 3716065 (VCV003716065.2).